The following is an entry in ClinVar:

ClinVar aggregate classification (germline): Uncertain significance. Review status: criteria provided, multiple submitters, no conflicts (2 of 4 stars). 4 submissions from 4 submitters: Uncertain significance (4). Last evaluated 2024-10-13.

Conditions:
Autosomal dominant familial hematuria-retinal arteriolar tortuosity-contractures syndrome. Also called: Angiopathy, hereditary, with nephropathy, aneurysms, and muscle cramps; Hereditary Angiopathy with Nephropathy, Aneurysms, and Muscle Cramps (HANAC) Syndrome. Identifiers: Orphanet 73229, MedGen C2673195, MONDO:0012726, OMIM 611773.
Brain small vessel disease 1 with or without ocular anomalies (BSVD1). Also called: GOULD SYNDROME 1; PORENCEPHALY, TYPE 1, AUTOSOMAL DOMINANT; BRAIN SMALL VESSEL DISEASE WITH HEMORRHAGE; Brain small vessel disease with or without ocular anomalies. Identifiers: Orphanet 2940, Orphanet 36383, Orphanet 99810, MedGen C4755307, MONDO:0008289, OMIM 175780.
Hemorrhage, intracerebral, susceptibility to (ICH). Also called: Stroke, hemorrhagic, susceptibility to. Identifiers: MedGen C3281105, MONDO:0100533, OMIM 614519.
Retinal arterial tortuosity. Also called: Retinal arteries, tortuosity of; RETINAL HEMORRHAGE WITH VASCULAR TORTUOSITY. Identifiers: Orphanet 75326, MedGen C0423401, MONDO:0008373, OMIM 180000, HP:0000631.
Microangiopathy and leukoencephalopathy, pontine, autosomal dominant. Also called: Pontine autosomal dominant microangiopathy with leukoencephalopathy; DEMENTIA, HEREDITARY MULTI-INFARCT, SWEDISH TYPE. Identifiers: Orphanet 477749, MedGen C5231411, MONDO:0032814, OMIM 618564.

Allele frequency attached by ClinVar (database versions not stated): gnomAD exomes below 0.00001; ExAC 0.00001; gnomAD 0.00001; TOPMed 0.00002.
gnomAD v4.1: 10 of 1,614,072 alleles (0.00062%); highest among the groups gnomAD compares: Non-Finnish European, 0.00068%; no homozygotes.

Submissions (4):

Labcorp Genetics (formerly Invitae), Labcorp
Classification: Uncertain significance. Last evaluated: 2024-10-13. Review status: criteria provided, single submitter. Criteria: Invitae Variant Classification Sherloc (09022015). Collection method: clinical testing. Allele origin: germline.
Comment: This sequence change replaces arginine, which is basic and polar, with glutamine, which is neutral and polar, at codon 1063 of the COL4A1 protein (p.Arg1063Gln). This variant is present in population databases (rs755532903, gnomAD 0.0009%). This variant has not been reported in the literature in individuals affected with COL4A1-related conditions. ClinVar contains an entry for this variant (Variation ID: 1318940). Invitae Evidence Modeling of protein sequence and biophysical properties (such as structural, functional, and spatial information, amino acid conservation, physicochemical variation, residue mobility, and thermodynamic stability) indicates that this missense variant is not expected to disrupt COL4A1 protein function with a negative predictive value of 95%. In summary, the available evidence is currently insufficient to determine the role of this variant in disease. Therefore, it has been classified as a Variant of Uncertain Significance.

Blueprint Genetics
Classification: Uncertain significance. Last evaluated: 2024-03-20. Review status: criteria provided, single submitter. Criteria: ACMG Guidelines, 2015. Collection method: clinical testing. Allele origin: germline.

Fulgent Genetics
Classification: Uncertain significance for Brain small vessel disease 1 with or without ocular anomalies; Retinal arterial tortuosity; Autosomal dominant familial hematuria-retinal arteriolar tortuosity-contractures syndrome; Hemorrhage, intracerebral, susceptibility to; Microangiopathy and leukoencephalopathy, pontine, autosomal dominant. Last evaluated: 2022-01-06. Review status: criteria provided, single submitter. Criteria: ACMG Guidelines, 2015. Collection method: clinical testing. Allele origin: unknown.

GeneDx
Classification: Uncertain significance. Last evaluated: 2019-03-18. Review status: criteria provided, single submitter. Criteria: GeneDx Variant Classification Process June 2021. Collection method: clinical testing. Allele origin: germline. Affected: yes.
Comment: Not observed in large population cohorts (Lek et al., 2016); In silico analysis, which includes protein predictors and evolutionary conservation, supports that this variant does not alter protein structure/function; Has not been previously published as pathogenic or benign to our knowledge

NM_001845.6(COL4A1):c.3188G>A (p.Arg1063Gln)

Gene: COL4A1 (collagen type IV alpha 1 chain; minus strand). Cytogenetic location: 13q34.
Variant type: single nucleotide variant.
Coding change: c.3188G>A on transcript NM_001845.6 (MANE Select); coding-DNA position 3188, G replaced by A.
Protein change: p.Arg1063Gln; replaces arginine 1063 with glutamine.
Molecular consequence: missense variant.
Genome position (GRCh38, 1-based): chr13:110,175,228, C>T on the plus strand (G>A on the coding strand, the complement: COL4A1 is on the minus strand). VCF-style: chr13-110175228-C-T. GRCh37 (hg19) VCF-style: chr13-110827575-C-T.
Other names: short protein forms R1063Q.
Identifiers: ClinVar variation 1318940 (VCV001318940.6), dbSNP rs755532903, ClinGen allele CA7047364.